The following is an entry in ClinVar:

ClinVar aggregate classification (germline): Uncertain significance. Review status: criteria provided, multiple submitters, no conflicts (2 of 4 stars). 2 submissions from 2 submitters: Uncertain significance (2). Last evaluated 2026-06-23.

Conditions:
FGFR3-related chondrodysplasia. Identifiers: Orphanet 93420, MedGen C5681604, MONDO:0019685.

Allele frequency attached by ClinVar (database versions not stated): ExAC 0.00001; gnomAD exomes 0.00001.
gnomAD v4.1: 3 of 1,612,994 alleles (0.00019%); highest among the groups gnomAD compares: African/African-American, 0.0013%; no homozygotes.

Submissions (2):

Genomenon, Inc
Classification: Uncertain significance for FGFR3-related chondrodysplasia. Last evaluated: 2026-06-23. Review status: criteria provided, single submitter. Criteria: Genomenon Sequence Variant Interpretation Standards - Updated. Collection method: curation. Allele origin: germline. Affected: yes.
Comment: FGFR3 p.Leu377Arg (c.1130T>G) is a missense variant that changes the amino acid at codon 377 from Leucine to Arginine. This variant has been reported in at least one proband with an FGFR3-related disorder (PMID:16411219;38281003;31975530;24352917;22325359). This variant is located in a mutational hotspot and/or important functional domain. It is absent or not present at a significant frequency in gnomAD. In silico models predict that this variant is possibly or probably damaging. In conclusion, we classify FGFR3 p.Leu377Arg (c.1130T>G) as a variant of uncertain significance.

Labcorp Genetics (formerly Invitae), Labcorp
Classification: Uncertain significance. Last evaluated: 2022-01-12. Review status: criteria provided, single submitter. Criteria: Invitae Variant Classification Sherloc (09022015). Collection method: clinical testing. Allele origin: germline.
Comment: In summary, the available evidence is currently insufficient to determine the role of this variant in disease. Therefore, it has been classified as a Variant of Uncertain Significance. Algorithms developed to predict the effect of missense changes on protein structure and function are either unavailable or do not agree on the potential impact of this missense change (SIFT: "Deleterious"; PolyPhen-2: "Probably Damaging"; Align-GVGD: "Class C0"). This missense change has been observed in individual(s) with clinical features of FGFR3-related conditions, however it's commonly seen with the pathogenic variant p.Gly380Arg (PMID: 16411219, 29593476). This variant is present in population databases (rs267606809, gnomAD 0.007%). This sequence change replaces leucine, which is neutral and non-polar, with arginine, which is basic and polar, at codon 377 of the FGFR3 protein (p.Leu377Arg).

Literature cited by the submitters: PubMed 16411219 (cited by Genomenon, Inc and Labcorp Genetics (formerly Invitae), Labcorp); PubMed 30048571 (cited by Genomenon, Inc); PubMed 25728633 (cited by Genomenon, Inc); PubMed 38281003 (cited by Genomenon, Inc); PubMed 31975530 (cited by Genomenon, Inc); PubMed 24352917 (cited by Genomenon, Inc); PubMed 17256796 (cited by Genomenon, Inc); PubMed 22325359 (cited by Genomenon, Inc); PubMed 29593476 (cited by Labcorp Genetics (formerly Invitae), Labcorp).

NM_000142.5(FGFR3):c.1130T>G (p.Leu377Arg)

Gene: FGFR3 (fibroblast growth factor receptor 3; plus strand). Cytogenetic location: 4p16.3.
Variant type: single nucleotide variant.
Coding change: c.1130T>G on transcript NM_000142.5 (MANE Select); coding-DNA position 1130, T replaced by G.
Protein change: p.Leu377Arg; replaces leucine 377 with arginine.
Molecular consequence: missense variant. On other transcripts: non-coding transcript variant (1), intron variant (1).
Genome position (GRCh38, 1-based): chr4:1,804,384, T>G. VCF-style: chr4-1804384-T-G. GRCh37 (hg19) VCF-style: chr4-1806111-T-G.
Other names: c.1136T>G, p.Leu379Arg (NM_001163213.2); c.1130T>G, p.Leu377Arg (NM_001354809.2, NM_001354810.2); c.931-440T>G (NM_022965.4); short protein forms L377R, L379R.
Identifiers: ClinVar variation 446185 (VCV000446185.10), dbSNP rs267606809, ClinGen allele CA357251.
Genomic context (GRCh38, chr4:1,804,384, plus strand): 5'-TTGCAGCCGAGGAGGAGCTGGTGGAGGCTGACGAGGCGGGCAGTGTGTATGCAGGCATCC[T>G]CAGCTACGGGGTGGGCTTCTTCCTGTTCATCCTGGTGGTGGCGGCTGTGACGCTCTGCCG-3'
Protein context (NP_000133.1, residues 367-387): DEAGSVYAGI[Leu377Arg]SYGVGFFLFI